The following is an entry in ClinVar:

ClinVar aggregate classification (germline): Pathogenic (1 of 4 stars; one submission).

Conditions:
Cerebellar ataxia-hypogonadism syndrome. Also called: Gordon Holmes syndrome; CEREBELLAR ATAXIA AND HYPOGONADOTROPIC HYPOGONADISM; LHRH DEFICIENCY AND ATAXIA; Luteinizing hormone releasing hormone, deficiency of with ataxia; Cerebellar ataxia hypogonadotropic hypogonadism. Identifiers: Orphanet 1173, MedGen C1859305, MONDO:0008935, OMIM 212840.

Submission:

Victorian Clinical Genetics Services, Murdoch Childrens Research Institute
Classification: Pathogenic for Cerebellar ataxia-hypogonadism syndrome. Last evaluated: 2025-09-05. Review status: criteria provided, single submitter. Criteria: ACMG Guidelines, 2015. Collection method: clinical testing. Allele origin: germline. Affected: yes.
Comment: This variant is classified as Pathogenic. Evidence in support of pathogenic classification: Variant is predicted to cause nonsense-mediated decay (NMD) and loss of protein (premature termination codon is located at least 54 nucleotides upstream of the final exon-exon junction); Variant is present in gnomAD <0.01 for a recessive condition (v4: 1 heterozygote(s), 0 homozygote(s)) ; Other premature termination variants comparable to the one identified in this case have very strong previous evidence for pathogenicity. Many NMD-predicted variants in this gene have been reported as likely pathogenic/pathogenic (ClinVar). Additional information: This variant is heterozygous; This gene is associated with autosomal recessive disease; This variant has no previous evidence of pathogenicity; No published evidence of segregation with disease has been identified for this variant; No published functional evidence has been identified for this variant; Loss of function is a known mechanism of disease in this gene and is associated with cerebellar ataxia and hypogonadotropic hypogonadism (MIM#212840); Inheritance information for this variant is not currently available in this individual.

NM_207111.4(RNF216):c.1731_1732del (p.Glu578fs)

Gene: RNF216 (ring finger protein 216; minus strand). Cytogenetic location: 7p22.1.
Variant type: Deletion.
Coding change: c.1731_1732del on transcript NM_207111.4 (MANE Select); coding-DNA positions 1731 to 1732, 2 bases deleted (GG; older notation c.1731_1732delGG).
Protein change: p.Glu578fs; shifts the reading frame from glutamic acid 578.
Molecular consequence: frameshift variant.
Genome position (GRCh38, 1-based): chr7:5,715,154-5,715,155, CC deleted on the plus strand (GG on the coding strand, the reverse complement: RNF216 is on the minus strand); deleting any 2 consecutive bases within chr7:5,715,154-5,715,157 gives the same sequence; the c. name uses the placement nearest the transcript's 3' end. VCF-style (leftmost placement, unchanged base first): chr7-5715153-TCC-T. GRCh37 (hg19) VCF-style: chr7-5754784-TCC-T.
Other names: c.1560_1561del, p.Glu521fs (NM_001377156.1, NM_207116.3); short protein forms E521fs, E578fs.
Identifiers: ClinVar variation 4532074 (VCV004532074.1).